The following is an entry in ClinVar:

NM_206933.4(USH2A):c.12586G>A (p.Glu4196Lys)

Gene: USH2A (usherin; minus strand). Cytogenetic location: 1q41.
Variant type: single nucleotide variant.
Coding change: c.12586G>A on transcript NM_206933.4 (MANE Select); coding-DNA position 12586, G replaced by A.
Protein change: p.Glu4196Lys; replaces glutamic acid 4196 with lysine.
Molecular consequence: missense variant.
Genome position (GRCh38, 1-based): chr1:215,675,325, C>T on the plus strand (G>A on the coding strand, the complement: USH2A is on the minus strand). VCF-style: chr1-215675325-C-T. GRCh37 (hg19) VCF-style: chr1-215848667-C-T.
Other names: short protein forms E4196K.
Identifiers: ClinVar variation 944794 (VCV000944794.7), dbSNP rs770065010, ClinGen allele CA344850530.
Genomic context (GRCh38, chr1:215,675,325, plus strand): 5'-ATTCTGTGAAAACAATTTTCTCGTCGGCCTGGATTGTCTGATTTCCCCAAGCTTTTCCCT[C>T]GAAGCATCTGCGAATCACTTCATAGCGAATTATTTTTCCATTTGGGTTAACAGGCTCAGA-3'
Protein context (NP_996816.3, residues 4186-4206): IRYEVIRRCF[Glu4196Lys]GKAWGNQTIQ

ClinVar aggregate classification (germline): Uncertain significance. Review status: criteria provided, multiple submitters, no conflicts (2 of 4 stars). 7 submissions from 6 submitters: Uncertain significance (6). 1 of the submissions does not count toward it. Last evaluated 2024-08-05.

Conditions:
Inborn genetic diseases. Identifiers: MedGen C0950123, MeSH D030342.
Retinitis pigmentosa 39 (RP39). Identifiers: Orphanet 791, MedGen C3151138, MONDO:0013436, OMIM 613809.
Usher syndrome type 2A. Also called: RETINAL DISEASE IN USHER SYNDROME TYPE IIA, MODIFIER OF; USHER SYNDROME, TYPE IIA. Identifiers: Orphanet 231178, Orphanet 886, MedGen C1848634, MONDO:0010169, OMIM 276901.

Allele frequency attached by ClinVar (database versions not stated): TOPMed 0.00003.
gnomAD v4.1: 25 of 1,614,126 alleles (0.0015%); highest among the groups gnomAD compares: East Asian, 0.0022%; no homozygotes.

Submissions (7):

Ambry Genetics
Classification: Uncertain significance for Inborn genetic diseases. Last evaluated: 2024-08-05. Review status: criteria provided, single submitter. Criteria: Ambry Variant Classification Scheme 2023. Collection method: clinical testing. Allele origin: germline.

Genome-Nilou Lab
Classification: Uncertain significance for Retinitis pigmentosa 39. Last evaluated: 2023-11-04. Review status: criteria provided, single submitter. Criteria: ACMG Guidelines, 2015. Collection method: clinical testing. Allele origin: germline. Affected: no.

Genome-Nilou Lab
Classification: Uncertain significance for Usher syndrome type 2A. Last evaluated: 2023-11-04. Review status: criteria provided, single submitter. Criteria: ACMG Guidelines, 2015. Collection method: clinical testing. Allele origin: germline. Affected: no.

GeneDx
Classification: Uncertain significance. Last evaluated: 2022-06-07. Review status: criteria provided, single submitter. Criteria: GeneDx Variant Classification Process June 2021. Collection method: clinical testing. Allele origin: germline. Affected: yes.
Comment: Not observed at significant frequency in large population cohorts (gnomAD); In silico analysis supports that this missense variant does not alter protein structure/function; Has not been previously published as pathogenic or benign to our knowledge

Labcorp Genetics (formerly Invitae), Labcorp
Classification: Uncertain significance. Last evaluated: 2022-02-23. Review status: criteria provided, single submitter. Criteria: Invitae Variant Classification Sherloc (09022015). Collection method: clinical testing. Allele origin: germline.
Comment: This sequence change replaces glutamic acid, which is acidic and polar, with lysine, which is basic and polar, at codon 4196 of the USH2A protein (p.Glu4196Lys). This variant is not present in population databases (gnomAD no frequency). This variant has not been reported in the literature in individuals affected with USH2A-related conditions. ClinVar contains an entry for this variant (Variation ID: 944794). Algorithms developed to predict the effect of missense changes on protein structure and function output the following: SIFT: "Tolerated"; PolyPhen-2: "Benign"; Align-GVGD: "Class C0". The lysine amino acid residue is found in multiple mammalian species, which suggests that this missense change does not adversely affect protein function. In summary, the available evidence is currently insufficient to determine the role of this variant in disease. Therefore, it has been classified as a Variant of Uncertain Significance.

Blueprint Genetics
Classification: Uncertain significance. Last evaluated: 2018-04-16. Review status: criteria provided, single submitter. Criteria: ACMG Guidelines, 2015. Collection method: clinical testing. Allele origin: germline.

Natera, Inc.
Classification: Uncertain significance for Usher syndrome type 2A. Last evaluated: 2021-09-02. Review status: no assertion criteria provided. Collection method: clinical testing. Allele origin: germline. Not counted in ClinVar's aggregate classification.